The following is an entry in ClinVar:

ClinVar aggregate classification (germline): Pathogenic. Review status: criteria provided, single submitter (1 of 4 stars). 2 submissions from 2 submitters: Pathogenic (1). 1 of the submissions does not count toward it. Last evaluated 2022-04-14.

Conditions:
Neurodevelopmental disorder with seizures, microcephaly, and brain abnormalities (NEDSMBA). Identifiers: MedGen C5774209, MONDO:0859283, OMIM 620024.
Microcephaly. Also called: Microcephaly (disease). Identifiers: MedGen C4551563, MONDO:0001149, HP:0000252.
Severe intellectual disability. Identifiers: MedGen C0036857, HP:0010864.
Cerebral calcification. Also called: Cerebral calcifications. Identifiers: MedGen C0270685, HP:0002514.
Seizure. Also called: Seizures. Identifiers: MedGen C0036572, HP:0001250.

Submissions (2):

Institute of Human Genetics, University of Leipzig Medical Center
Classification: Pathogenic for Severe intellectual disability; Seizure; Microcephaly; Cerebral calcification. Last evaluated: 2022-04-14. Review status: criteria provided, single submitter. Criteria: ACMG Guidelines, 2015. Collection method: research. Allele origin: germline. Affected: yes.
Comment: The variant was identified as homozygous. Criteria applied: PVS1, PM2_Supporting, PM3_Supporting

OMIM
Classification: Pathogenic for NEURODEVELOPMENTAL DISORDER WITH SEIZURES, MICROCEPHALY, AND BRAIN ABNORMALITIES. Last evaluated: 2022-08-31. Review status: no assertion criteria provided. Collection method: literature only. Allele origin: germline. Not counted in ClinVar's aggregate classification.

Literature cited by the submitters: DOI doi.org/10.1101/2022.04.04.22273309 (cited by Institute of Human Genetics, University of Leipzig Medical Center); PubMed 35830857 (cited by OMIM).

NM_003622.4(PPFIBP1):c.2654del (p.Tyr885fs)

Gene: PPFIBP1 (PPFIB scaffold protein 1; plus strand). Cytogenetic location: 12p11.22.
Variant type: Deletion.
Coding change: c.2654del on transcript NM_003622.4 (MANE Select); coding-DNA position 2654, one base deleted (A; older notation c.2654delA).
Protein change: p.Tyr885fs; shifts the reading frame from tyrosine 885.
Molecular consequence: frameshift variant.
Genome position (GRCh38, 1-based): chr12:27,689,172, A deleted. VCF-style (leftmost placement, unchanged base first): chr12-27689171-TA-T. GRCh37 (hg19) VCF-style: chr12-27842104-TA-T.
Other names: c.2213del, p.Tyr738fs (NM_001198915.2); c.2579del, p.Tyr860fs (NM_001198916.2); c.2672del, p.Tyr891fs (NM_177444.3); short protein forms Y738fs, Y860fs, Y885fs, Y891fs.
Identifiers: ClinVar variation 1679176 (VCV001679176.2), dbSNP rs2140520299, ClinGen allele CA2573148482.